The following is an entry in ClinVar:

NM_005918.4(MDH2):c.740C>G (p.Ala247Gly)

Gene: MDH2 (malate dehydrogenase 2; plus strand). Cytogenetic location: 7q11.23.
Variant type: single nucleotide variant.
Coding change: c.740C>G on transcript NM_005918.4 (MANE Select); coding-DNA position 740, C replaced by G.
Protein change: p.Ala247Gly; replaces alanine 247 with glycine.
Molecular consequence: missense variant.
Genome position (GRCh38, 1-based): chr7:76,064,808, C>G. VCF-style: chr7-76064808-C-G. GRCh37 (hg19) VCF-style: chr7-75694126-C-G.
Other names: c.614C>G, p.Ala205Gly (NM_001282403.2); c.419C>G, p.Ala140Gly (NM_001282404.2); short protein forms A140G, A205G, A247G.
Identifiers: ClinVar variation 1758775 (VCV001758775.2), dbSNP rs2535872979, ClinGen allele CA367767907.

ClinVar aggregate classification (germline): Uncertain significance (1 of 4 stars; one submission).

Conditions:
Inborn genetic diseases. Identifiers: MedGen C0950123, MeSH D030342.

Submission:

Ambry Genetics
Classification: Uncertain significance for Inborn genetic diseases. Last evaluated: 2021-11-13. Review status: criteria provided, single submitter. Criteria: Ambry Variant Classification Scheme 2023. Collection method: clinical testing. Allele origin: germline.
Comment: The p.A247G variant (also known as c.740C>G), located in coding exon 8 of the MDH2 gene, results from a C to G substitution at nucleotide position 740. The alanine at codon 247 is replaced by glycine, an amino acid with similar properties. This amino acid position is conserved. In addition, this alteration is predicted to be deleterious by in silico analysis. Since supporting evidence is limited at this time, the clinical significance of this alteration remains unclear.